The following is an entry in ClinVar:

NM_002941.4(ROBO1):c.199C>A (p.Pro67Thr)

Gene: ROBO1 (roundabout guidance receptor 1; minus strand). Cytogenetic location: 3p12.3.
Variant type: single nucleotide variant.
Coding change: c.199C>A on transcript NM_002941.4 (MANE Select); coding-DNA position 199, C replaced by A.
Protein change: p.Pro67Thr; replaces proline 67 with threonine.
Molecular consequence: missense variant.
Genome position (GRCh38, 1-based): chr3:78,938,901, G>T on the plus strand (C>A on the coding strand, the complement: ROBO1 is on the minus strand). VCF-style: chr3-78938901-G-T. GRCh37 (hg19) VCF-style: chr3-78988051-G-T.
Other names: c.82C>A, p.Pro28Thr (NM_001145845.2, NM_133631.4); short protein forms P28T, P67T.
Identifiers: ClinVar variation 3360786 (VCV003360786.1).

ClinVar aggregate classification (germline): Uncertain significance (1 of 4 stars; one submission).

Submission:

GeneDx
Classification: Uncertain significance. Last evaluated: 2023-07-05. Review status: criteria provided, single submitter. Criteria: GeneDx Variant Classification Process June 2021. Collection method: clinical testing. Allele origin: germline. Affected: yes.
Comment: Not observed at significant frequency in large population cohorts (gnomAD); In silico analysis supports that this missense variant has a deleterious effect on protein structure/function; Has not been previously published as pathogenic or benign to our knowledge